The following is an entry in ClinVar:

NM_000081.4(LYST):c.3746G>A (p.Ser1249Asn)

Gene: LYST (lysosomal trafficking regulator; minus strand). Cytogenetic location: 1q42.3.
Variant type: single nucleotide variant.
Coding change: c.3746G>A on transcript NM_000081.4 (MANE Select); coding-DNA position 3746, G replaced by A.
Protein change: p.Ser1249Asn; replaces serine 1249 with asparagine.
Molecular consequence: missense variant.
Genome position (GRCh38, 1-based): chr1:235,801,064, C>T on the plus strand (G>A on the coding strand, the complement: LYST is on the minus strand). VCF-style: chr1-235801064-C-T. GRCh37 (hg19) VCF-style: chr1-235964364-C-T.
Other names: c.3746G>A, p.Ser1249Asn (NM_001301365.1); short protein forms S1249N.
Identifiers: ClinVar variation 454484 (VCV000454484.8), dbSNP rs2527016779, ClinGen allele CA344944574.

ClinVar aggregate classification (germline): Uncertain significance (1 of 4 stars; one submission).

Conditions:
Chédiak-Higashi syndrome (CHS). Also called: Chediak-Higashi Syndrome. Identifiers: Orphanet 167, MedGen C0007965, MONDO:0008963, OMIM 214500.

Submission:

Labcorp Genetics (formerly Invitae), Labcorp
Classification: Uncertain significance for Chédiak-Higashi syndrome. Last evaluated: 2021-01-08. Review status: criteria provided, single submitter. Criteria: Invitae Variant Classification Sherloc (09022015). Collection method: clinical testing. Allele origin: germline.
Comment: In summary, this variant has uncertain impact on LYST function. The available evidence is currently insufficient to determine its role in disease. Therefore, it has been classified as a Variant of Uncertain Significance. Algorithms developed to predict the effect of missense changes on protein structure and function output the following: SIFT: "Tolerated"; PolyPhen-2: "Benign"; Align-GVGD: "Class C0". The asparagine amino acid residue is found in multiple mammalian species, suggesting that this missense change does not adversely affect protein function. These predictions have not been confirmed by published functional studies and their clinical significance is uncertain. This variant has not been reported in the literature in individuals with a LYST-related disease. This variant is not present in population databases (ExAC no frequency). This sequence change replaces serine with asparagine at codon 1249 of the LYST protein (p.Ser1249Asn). The serine residue is weakly conserved and there is a small physicochemical difference between serine and asparagine.